The following is an entry in ClinVar:

NM_001365536.1(SCN9A):c.3845A>T (p.Asp1282Val)

Genes: SCN1A-AS1 (SCN1A and SCN9A antisense RNA 1; plus strand), SCN9A (sodium voltage-gated channel alpha subunit 9; minus strand). Cytogenetic location: 2q24.3.
Variant type: single nucleotide variant.
Coding change: c.3845A>T on transcript NM_001365536.1 (MANE Select); coding-DNA position 3845, A replaced by T.
Protein change: p.Asp1282Val; replaces aspartic acid 1282 with valine.
Molecular consequence: missense variant.
Genome position (GRCh38, 1-based): chr2:166,233,419, T>A on the plus strand (A>T on the coding strand, the complement: SCN9A is on the minus strand). VCF-style: chr2-166233419-T-A. GRCh37 (hg19) VCF-style: chr2-167089929-T-A.
Other names: c.3812A>T, p.Asp1271Val (NM_002977.4); short protein forms D1271V, D1282V.
Identifiers: ClinVar variation 1474214 (VCV001474214.6), dbSNP rs1320173487, ClinGen allele CA349066578.

ClinVar aggregate classification (germline): Uncertain significance (1 of 4 stars; one submission).

Conditions:
Generalized epilepsy with febrile seizures plus, type 7 (GEFSP7). Also called: GEFS+, TYPE 7. Identifiers: Orphanet 36387, MedGen C2751778, MONDO:0013470, OMIM 613863.
Neuropathy, hereditary sensory and autonomic, type 2A (HSAN2A). Also called: ACROOSTEOLYSIS, GIACCAI TYPE; ACROOSTEOLYSIS, NEUROGENIC; MORVAN DISEASE; HSAN IIA; NEUROPATHY, CONGENITAL SENSORY; NEUROPATHY, HEREDITARY SENSORY RADICULAR, AUTOSOMAL RECESSIVE. Identifiers: Orphanet 970, MedGen C2752089, MONDO:0024309, OMIM 201300.

Allele frequency attached by ClinVar (database versions not stated): TOPMed below 0.00001; gnomAD 0.00001.
gnomAD v4.1: 1 of 1,583,020 alleles (0.000063%); highest among the groups gnomAD compares: Non-Finnish European, 0.000086%; no homozygotes.

Submission:

Labcorp Genetics (formerly Invitae), Labcorp
Classification: Uncertain significance for Neuropathy, hereditary sensory and autonomic, type 2A; Generalized epilepsy with febrile seizures plus, type 7. Last evaluated: 2021-10-27. Review status: criteria provided, single submitter. Criteria: Invitae Variant Classification Sherloc (09022015). Collection method: clinical testing. Allele origin: germline.
Comment: In summary, the available evidence is currently insufficient to determine the role of this variant in disease. Therefore, it has been classified as a Variant of Uncertain Significance. Algorithms developed to predict the effect of missense changes on protein structure and function are either unavailable or do not agree on the potential impact of this missense change (SIFT: "Deleterious"; PolyPhen-2: "Benign"; Align-GVGD: "Class C0"). This variant has not been reported in the literature in individuals affected with SCN9A-related conditions. This variant is not present in population databases (gnomAD no frequency). This sequence change replaces aspartic acid, a(n) acidic and polar amino acid, with valine, a(n) neutral and non-polar amino acid, at codon 1271 of the SCN9A protein (p.Asp1271Val).